The following is an entry in ClinVar:

NM_002972.4(SBF1):c.483T>A (p.Asn161Lys)

Gene: SBF1 (SET binding factor 1; minus strand). Cytogenetic location: 22q13.33.
Variant type: single nucleotide variant.
Coding change: c.483T>A on transcript NM_002972.4 (MANE Select); coding-DNA position 483, T replaced by A.
Protein change: p.Asn161Lys; replaces asparagine 161 with lysine.
Molecular consequence: missense variant.
Genome position (GRCh38, 1-based): chr22:50,467,404, A>T on the plus strand (T>A on the coding strand, the complement: SBF1 is on the minus strand). VCF-style: chr22-50467404-A-T. GRCh37 (hg19) VCF-style: chr22-50905833-A-T.
Other names: c.486T>A, p.Asn162Lys (NM_001365819.1); short protein forms N162K, N161K.
Identifiers: ClinVar variation 1433920 (VCV001433920.6), dbSNP rs377425965, ClinGen allele CA412222987.
Genomic context (GRCh38, chr22:50,467,404, plus strand): 5'-GCCCCCAGCCAGGGGCACAGTGCACGTCAGCAGGTTCCCAATCACGTTCTCCAGGCACAC[A>T]TTCAGGCCCTCCACGTGGATGGCATAGATGAGGCCAAGGCTGTTCTGCAATGACCAGAGC-3'
Protein context (NP_002963.2, residues 151-171): LIYAIHVEGL[Asn161Lys]VCLENVIGNL

ClinVar aggregate classification (germline): Uncertain significance (1 of 4 stars; one submission).

Submission:

Labcorp Genetics (formerly Invitae), Labcorp
Classification: Uncertain significance. Last evaluated: 2024-08-13. Review status: criteria provided, single submitter. Criteria: Invitae Variant Classification Sherloc (09022015). Collection method: clinical testing. Allele origin: germline.
Comment: This sequence change replaces asparagine, which is neutral and polar, with lysine, which is basic and polar, at codon 161 of the SBF1 protein (p.Asn161Lys). This variant is not present in population databases (gnomAD no frequency). This variant has not been reported in the literature in individuals affected with SBF1-related conditions. ClinVar contains an entry for this variant (Variation ID: 1433920). Advanced modeling of protein sequence and biophysical properties (such as structural, functional, and spatial information, amino acid conservation, physicochemical variation, residue mobility, and thermodynamic stability) performed at Invitae indicates that this missense variant is not expected to disrupt SBF1 protein function with a negative predictive value of 80%. In summary, the available evidence is currently insufficient to determine the role of this variant in disease. Therefore, it has been classified as a Variant of Uncertain Significance.